The following is an entry in ClinVar:

ClinVar aggregate classification (germline): Uncertain significance (1 of 4 stars; one submission).

Allele frequency attached by ClinVar (database versions not stated): ExAC 0.00002; gnomAD exomes 0.00004.
gnomAD v4.1: 49 of 1,601,012 alleles (0.0031%); highest among the groups gnomAD compares: Non-Finnish European, 0.0042%; no homozygotes.

Submission:

Labcorp Genetics (formerly Invitae), Labcorp
Classification: Uncertain significance. Last evaluated: 2023-08-22. Review status: criteria provided, single submitter. Criteria: Invitae Variant Classification Sherloc (09022015). Collection method: clinical testing. Allele origin: germline.
Comment: In summary, the available evidence is currently insufficient to determine the role of this variant in disease. Therefore, it has been classified as a Variant of Uncertain Significance. An algorithm developed to predict the effect of missense changes on protein structure and function (PolyPhen-2) suggests that this variant is likely to be tolerated. This variant has not been reported in the literature in individuals affected with MICAL1-related conditions. This variant is present in population databases (rs767144215, gnomAD 0.004%). This sequence change replaces proline, which is neutral and non-polar, with leucine, which is neutral and non-polar, at codon 23 of the MICAL1 protein (p.Pro23Leu).

NM_022765.4(MICAL1):c.11C>T (p.Pro4Leu)

Gene: MICAL1 (microtubule associated monooxygenase, calponin and LIM domain containing 1; minus strand). Cytogenetic location: 6q21.
Variant type: single nucleotide variant.
Coding change: c.11C>T on transcript NM_022765.4 (MANE Select); coding-DNA position 11, C replaced by T.
Protein change: p.Pro4Leu; replaces proline 4 with leucine.
Molecular consequence: missense variant.
Genome position (GRCh38, 1-based): chr6:109,454,186, G>A on the plus strand (C>T on the coding strand, the complement: MICAL1 is on the minus strand). VCF-style: chr6-109454186-G-A. GRCh37 (hg19) VCF-style: chr6-109775389-G-A.
Other names: c.11C>T, p.Pro4Leu (NM_001159291.2); c.68C>T, p.Pro23Leu (NM_001286613.2); short protein forms P23L, P4L.
Identifiers: ClinVar variation 2980512 (VCV002980512.3), dbSNP rs767144215, ClinGen allele CA3953912.